The following is an entry in ClinVar:

NM_001365536.1(SCN9A):c.5267T>C (p.Ile1756Thr)

Genes: SCN9A (sodium voltage-gated channel alpha subunit 9; minus strand), SCN1A-AS1 (SCN1A and SCN9A antisense RNA 1; plus strand). Cytogenetic location: 2q24.3.
Variant type: single nucleotide variant.
Coding change: c.5267T>C on transcript NM_001365536.1 (MANE Select); coding-DNA position 5267, T replaced by C.
Protein change: p.Ile1756Thr; replaces isoleucine 1756 with threonine.
Molecular consequence: missense variant.
Genome position (GRCh38, 1-based): chr2:166,199,372, A>G on the plus strand (T>C on the coding strand, the complement: SCN9A is on the minus strand). VCF-style: chr2-166199372-A-G. GRCh37 (hg19) VCF-style: chr2-167055882-A-G.
Other names: c.5234T>C, p.Ile1745Thr (NM_002977.4); short protein forms I1745T, I1756T.
Identifiers: ClinVar variation 1058218 (VCV001058218.9), dbSNP rs2106337234, ClinGen allele CA349053855.

ClinVar aggregate classification (germline): Uncertain significance (1 of 4 stars; one submission).

Conditions:
Neuropathy, hereditary sensory and autonomic, type 2A (HSAN2A). Also called: MORVAN DISEASE; NEUROPATHY, CONGENITAL SENSORY; NEUROPATHY, HEREDITARY SENSORY RADICULAR, AUTOSOMAL RECESSIVE; NEUROPATHY, HEREDITARY SENSORY, TYPE IIA; NEUROPATHY, PROGRESSIVE SENSORY, OF CHILDREN; ACROOSTEOLYSIS, GIACCAI TYPE. Identifiers: Orphanet 970, MedGen C2752089, MONDO:0024309, OMIM 201300.
Generalized epilepsy with febrile seizures plus, type 7 (GEFSP7). Also called: GEFS+, TYPE 7. Identifiers: Orphanet 36387, MedGen C2751778, MONDO:0013470, OMIM 613863.

Submission:

Labcorp Genetics (formerly Invitae), Labcorp
Classification: Uncertain significance for Neuropathy, hereditary sensory and autonomic, type 2A; Generalized epilepsy with febrile seizures plus, type 7. Last evaluated: 2020-09-24. Review status: criteria provided, single submitter. Criteria: Invitae Variant Classification Sherloc (09022015). Collection method: clinical testing. Allele origin: germline.
Comment: This sequence change replaces isoleucine with threonine at codon 1745 of the SCN9A protein (p.Ile1745Thr). The isoleucine residue is highly conserved and there is a moderate physicochemical difference between isoleucine and threonine. This variant is not present in population databases (ExAC no frequency). This variant has not been reported in the literature in individuals with SCN9A-related conditions. Algorithms developed to predict the effect of missense changes on protein structure and function (SIFT, PolyPhen-2, Align-GVGD) all suggest that this variant is likely to be disruptive, but these predictions have not been confirmed by published functional studies and their clinical significance is uncertain. In summary, the available evidence is currently insufficient to determine the role of this variant in disease. Therefore, it has been classified as a Variant of Uncertain Significance.